The following is an entry in ClinVar:

NM_152383.5(DIS3L2):c.2189A>T (p.Asp730Val)

Gene: DIS3L2 (DIS3 like 3'-5' exoribonuclease 2; plus strand). Cytogenetic location: 2q37.1.
Variant type: single nucleotide variant.
Coding change: c.2189A>T on transcript NM_152383.5 (MANE Select); coding-DNA position 2189, A replaced by T.
Protein change: p.Asp730Val; replaces aspartic acid 730 with valine.
Molecular consequence: missense variant. On other transcripts: non-coding transcript variant (2), intron variant (1).
Genome position (GRCh38, 1-based): chr2:232,334,399, A>T. VCF-style: chr2-232334399-A-T. GRCh37 (hg19) VCF-style: chr2-233199109-A-T.
Other names: c.1582-8946A>T (NM_001257281.2); short protein forms D730V.
Identifiers: ClinVar variation 2847522 (VCV002847522.3), dbSNP rs1247245244, ClinGen allele CA350977671.

ClinVar aggregate classification (germline): Uncertain significance (1 of 4 stars; one submission).

Conditions:
Perlman syndrome (PRLMNS). Identifiers: Orphanet 2849, MedGen C0796113, MONDO:0009965, OMIM 267000.

Submission:

Labcorp Genetics (formerly Invitae), Labcorp
Classification: Uncertain significance for Perlman syndrome. Last evaluated: 2024-06-12. Review status: criteria provided, single submitter. Criteria: Invitae Variant Classification Sherloc (09022015). Collection method: clinical testing. Allele origin: germline.
Comment: This sequence change replaces aspartic acid, which is acidic and polar, with valine, which is neutral and non-polar, at codon 730 of the DIS3L2 protein (p.Asp730Val). This variant is not present in population databases (gnomAD no frequency). This variant has not been reported in the literature in individuals affected with DIS3L2-related conditions. Advanced modeling of protein sequence and biophysical properties (such as structural, functional, and spatial information, amino acid conservation, physicochemical variation, residue mobility, and thermodynamic stability) performed at Invitae indicates that this missense variant is not expected to disrupt DIS3L2 protein function with a negative predictive value of 80%. In summary, the available evidence is currently insufficient to determine the role of this variant in disease. Therefore, it has been classified as a Variant of Uncertain Significance.